The following is an entry in ClinVar:

ClinVar aggregate classification (germline): Pathogenic (1 of 4 stars; one submission).

Submission:

GeneDx
Classification: Pathogenic. Last evaluated: 2025-05-01. Review status: criteria provided, single submitter. Criteria: GeneDx Variant Classification Process June 2021. Collection method: clinical testing. Allele origin: germline. Affected: yes.
Comment: Identified in a cohort of patients with phenotypes ranging from atopic dermatitis to ichthyosis vulgaris in the published literature; the individual who harbored this variant also harbored a second heterozygous variant in the FLG gene (PMID: 32018027); Frameshift variant predicted to result in protein truncation, as the last 1572 amino acids are replaced with 109 different amino acids, and other loss-of-function variants have been reported downstream in HGMD; Not observed at significant frequency in large population cohorts (gnomAD); This variant is associated with the following publications: (PMID: 32018027)

NM_002016.2(FLG):c.7467del (p.Ser2490fs)

Genes: CCDST (cervical cancer associated DHX9 suppressive transcript; plus strand), FLG (filaggrin; minus strand). Cytogenetic location: 1q21.3.
Variant type: Deletion.
Coding change: c.7467del on transcript NM_002016.2 (MANE Select); coding-DNA position 7467, one base deleted (G; older notation c.7467delG).
Protein change: p.Ser2490fs; shifts the reading frame from serine 2490.
Molecular consequence: frameshift variant.
Genome position (GRCh38, 1-based): chr1:152,307,419, C deleted on the plus strand (G on the coding strand, the reverse complement: FLG is on the minus strand); the first of 3 consecutive C bases (chr1:152,307,419-152,307,421); deleting any one gives the same sequence. VCF-style (leftmost placement, unchanged base first): chr1-152307418-AC-A. GRCh37 (hg19) VCF-style: chr1-152279894-AC-A.
Other names: c.7465delG, p.Ser2490Leufs (NM_002016.1); short protein forms S2490fs.
Identifiers: ClinVar variation 2574769 (VCV002574769.2), dbSNP rs774201667, ClinGen allele CA1104707.